The following is an entry in ClinVar:

ClinVar aggregate classification (germline): Pathogenic (1 of 4 stars; one submission).

Submission:

GeneDx
Classification: Pathogenic. Last evaluated: 2025-05-07. Review status: criteria provided, single submitter. Criteria: GeneDx Variant Classification Process June 2021. Collection method: clinical testing. Allele origin: germline. Affected: yes.
Comment: Nonsense variant predicted to result in protein truncation or nonsense mediated decay in a gene for which loss of function is a known mechanism of disease; Not observed at significant frequency in large population cohorts (gnomAD); Has not been previously published as pathogenic or benign to our knowledge

NM_001009944.3(PKD1):c.4189G>T (p.Glu1397Ter)

Gene: PKD1 (polycystin 1, transient receptor potential channel interacting; minus strand). Cytogenetic location: 16p13.3.
Variant type: single nucleotide variant.
Coding change: c.4189G>T on transcript NM_001009944.3 (MANE Select); coding-DNA position 4189, G replaced by T.
Protein change: p.Glu1397Ter; replaces glutamic acid 1397 with a stop codon.
Molecular consequence: nonsense.
Genome position (GRCh38, 1-based): chr16:2,110,978, C>A on the plus strand (G>T on the coding strand, the complement: PKD1 is on the minus strand). VCF-style: chr16-2110978-C-A. GRCh37 (hg19) VCF-style: chr16-2160979-C-A.
Other names: c.4189G>T, p.Glu1397Ter (NM_000296.4); short protein forms E1397*.
Identifiers: ClinVar variation 4527522 (VCV004527522.1).
Genomic context (GRCh38, chr16:2,110,978, plus strand): 5'-CAAAGTCCCAGGTGTAGCGGTAGGGGAACGGGGGCCAGGCACATGCCACCAGCCAGGCCT[C>A]GTCCCCGAGCTGCACAAACTGCCTCTCTGGCTGCAGGGTGACGTTGCCCACCTCTGGCTC-3'